The following is an entry in ClinVar:

NM_000038.6(APC):c.6486T>C (p.Asn2162=)

Gene: APC (APC regulator of Wnt signaling pathway; plus strand). Cytogenetic location: 5q22.2.
Variant type: single nucleotide variant.
Coding change: c.6486T>C on transcript NM_000038.6 (MANE Select); coding-DNA position 6486, T replaced by C.
Protein change: p.Asn2162=; no amino-acid change (asparagine 2162 retained).
Molecular consequence: synonymous variant. On other transcripts: non-coding transcript variant (2).
Genome position (GRCh38, 1-based): chr5:112,842,080, T>C. VCF-style: chr5-112842080-T-C. GRCh37 (hg19) VCF-style: chr5-112177777-T-C.
Other names: c.6486T>C, p.Asn2162= (NM_001127510.3, NM_001354895.2, NM_001407450.1); c.6432T>C, p.Asn2144= (NM_001127511.3); c.6540T>C, p.Asn2180= (NM_001354896.2, NM_001407447.1, NM_001407448.1 and 1 more transcripts); c.6516T>C, p.Asn2172= (NM_001354897.2); c.6411T>C, p.Asn2137= (NM_001354898.2); c.6402T>C, p.Asn2134= (NM_001354899.2); c.6363T>C, p.Asn2121= (NM_001354900.2); c.6309T>C, p.Asn2103= (NM_001354901.2, NM_001407453.1); and 11 more.
Identifiers: ClinVar variation 3254063 (VCV003254063.3), dbSNP rs776869030.

ClinVar aggregate classification (germline): Benign/Likely benign. Review status: criteria provided, multiple submitters, no conflicts (2 of 4 stars). 2 submissions from 2 submitters: Benign (1); Likely benign (1). Last evaluated 2024-08-13.

Conditions:
Familial adenomatous polyposis 1 (FAP1). Also called: FAMILIAL ADENOMATOUS POLYPOSIS 1, ATTENUATED; POLYPOSIS, ADENOMATOUS INTESTINAL. Identifiers: MedGen C2713442, MONDO:0021056, OMIM 175100. Disease mechanism: loss of function.

Submissions (2):

Labcorp Genetics (formerly Invitae), Labcorp
Classification: Likely benign for Familial adenomatous polyposis 1. Last evaluated: 2024-08-13. Review status: criteria provided, single submitter. Criteria: Invitae Variant Classification Sherloc (09022015). Collection method: clinical testing. Allele origin: germline.

Myriad Genetics, Inc.
Classification: Benign for Familial adenomatous polyposis 1. Last evaluated: 2024-04-04. Review status: criteria provided, single submitter. Criteria: Myriad Autosomal Dominant, Autosomal Recessive and X-Linked Classification Criteria (2023). Collection method: clinical testing. Allele origin: unknown.
Comment: This variant is considered benign. This variant is a silent/synonymous amino acid change and it is not expected to impact splicing.